The following is an entry in ClinVar:

ClinVar aggregate classification (germline): Uncertain significance (1 of 4 stars; one submission).

Conditions:
Biotin-responsive basal ganglia disease (BTBGD). Also called: Thiamine metabolism dysfunction syndrome 2 (biotin- or thiamine-responsive encephalopathy type 2); thiamine-responsive encephalopathy; THIAMINE METABOLISM DYSFUNCTION SYNDROME 2 (BIOTIN- AND THIAMINE-RESPONSIVE TYPE); Thiamine metabolism dysfunction syndrome type 2; Thiamine Transporter-2 Deficiency. Identifiers: Orphanet 199348, Orphanet 65284, MedGen C1843807, MONDO:0011841, OMIM 607483.

Submission:

Labcorp Genetics (formerly Invitae), Labcorp
Classification: Uncertain significance for Biotin-responsive basal ganglia disease. Last evaluated: 2018-01-16. Review status: criteria provided, single submitter. Criteria: Invitae Variant Classification Sherloc (09022015). Collection method: clinical testing. Allele origin: germline.
Comment: Algorithms developed to predict the effect of missense changes on protein structure and function do not agree on the potential impact of this missense change (SIFT: "Tolerated"; PolyPhen-2: "Possibly Damaging"; Align-GVGD: "Class C0"). This sequence change replaces threonine with asparagine at codon 419 of the SLC19A3 protein (p.Thr419Asn). The threonine residue is highly conserved and there is a small physicochemical difference between threonine and asparagine. This variant is not present in population databases (ExAC no frequency). This variant has not been reported in the literature in individuals with SLC19A3-related disease. In summary, the available evidence is currently insufficient to determine the role of this variant in disease. Therefore, it has been classified as a Variant of Uncertain Significance.

NM_025243.4(SLC19A3):c.1256C>A (p.Thr419Asn)

Gene: SLC19A3 (solute carrier family 19 member 3; minus strand). Cytogenetic location: 2q36.3.
Variant type: single nucleotide variant.
Coding change: c.1256C>A on transcript NM_025243.4 (MANE Select); coding-DNA position 1256, C replaced by A.
Protein change: p.Thr419Asn; replaces threonine 419 with asparagine.
Molecular consequence: missense variant.
Genome position (GRCh38, 1-based): chr2:227,688,224, G>T on the plus strand (C>A on the coding strand, the complement: SLC19A3 is on the minus strand). VCF-style: chr2-227688224-G-T. GRCh37 (hg19) VCF-style: chr2-228552940-G-T.
Other names: short protein forms T419N.
Identifiers: ClinVar variation 579958 (VCV000579958.9), dbSNP rs1559242384, ClinGen allele CA350875448.